The following is an entry in ClinVar:

NM_000256.3(MYBPC3):c.2281del (p.Gln761fs)

Gene: MYBPC3 (myosin binding protein C3; minus strand). Cytogenetic location: 11p11.2.
Variant type: Deletion.
Coding change: c.2281del on transcript NM_000256.3 (MANE Select); coding-DNA position 2281, one base deleted (C; older notation c.2281delC).
Protein change: p.Gln761fs; shifts the reading frame from glutamine 761.
Molecular consequence: frameshift variant.
Genome position (GRCh38, 1-based): chr11:47,338,547, G deleted on the plus strand (C on the coding strand, the reverse complement: MYBPC3 is on the minus strand); the first of 2 consecutive G bases (chr11:47,338,547-47,338,548); deleting either gives the same sequence. VCF-style (leftmost placement, unchanged base first): chr11-47338546-TG-T. GRCh37 (hg19) VCF-style: chr11-47360097-TG-T.
Other names: c.2281delC (NM_000256.3); short protein forms Q761fs.
Identifiers: ClinVar variation 2069047 (VCV002069047.6), dbSNP rs2495752203, ClinGen allele CA2580084162.
Genomic context (GRCh38, chr11:47,338,546, plus strand): 5'-TGTGTTCTCCAGCTTGGACCCCGGCCGGCCTCACCGATGACCTTGACTGTGAGGTTGACC[TG>T]GTCCTCGCCCACAGGGTTCTTCACTGTGACCGTGTAGACGCCCTCATCTTCCTTCTCTGC-3'

ClinVar aggregate classification (germline): Pathogenic. Review status: criteria provided, multiple submitters, no conflicts (2 of 4 stars). 2 submissions from 2 submitters: Pathogenic (2). Last evaluated 2022-11-04.

Conditions:
Cardiovascular phenotype. Identifiers: MedGen CN230736.
Hypertrophic cardiomyopathy. Also called: HYPERTROPHIC MYOCARDIOPATHY. Identifiers: Orphanet 217569, MedGen C0007194, MeSH D002312, MONDO:0005045, HP:0001639.

Submissions (2):

Ambry Genetics
Classification: Pathogenic for Cardiovascular phenotype. Last evaluated: 2022-11-04. Review status: criteria provided, single submitter. Criteria: Ambry Variant Classification Scheme 2023. Collection method: clinical testing. Allele origin: germline.
Comment: The c.2281delC pathogenic mutation, located in coding exon 23 of the MYBPC3 gene, results from a deletion of one nucleotide at nucleotide position 2281, causing a translational frameshift with a predicted alternate stop codon (p.Q761Rfs*61). This variant is considered to be rare based on population cohorts in the Genome Aggregation Database (gnomAD). This alteration is expected to result in loss of function by premature protein truncation or nonsense-mediated mRNA decay. As such, this alteration is interpreted as a disease-causing mutation.

Labcorp Genetics (formerly Invitae), Labcorp
Classification: Pathogenic for Hypertrophic cardiomyopathy. Last evaluated: 2022-01-01. Review status: criteria provided, single submitter. Criteria: Invitae Variant Classification Sherloc (09022015). Collection method: clinical testing. Allele origin: germline.
Comment: For these reasons, this variant has been classified as Pathogenic. This sequence change creates a premature translational stop signal (p.Gln761Argfs*61) in the MYBPC3 gene. It is expected to result in an absent or disrupted protein product. Loss-of-function variants in MYBPC3 are known to be pathogenic (PMID: 19574547). This variant is not present in population databases (gnomAD no frequency). This variant has not been reported in the literature in individuals affected with MYBPC3-related conditions.

Literature cited by the submitters: PubMed 19574547 (cited by Labcorp Genetics (formerly Invitae), Labcorp).